The following is an entry in ClinVar:

ClinVar aggregate classification (germline): Uncertain significance (1 of 4 stars; one submission).

Conditions:
Charcot-Marie-Tooth disease axonal type 2O. Also called: CHARCOT-MARIE-TOOTH NEUROPATHY, AXONAL, TYPE 2O; CHARCOT-MARIE-TOOTH DISEASE, AXONAL, AUTOSOMAL DOMINANT, TYPE 2O; Charcot-Marie-Tooth Neuropathy Type 2O; Charcot-Marie-Tooth disease, axonal, type 20. Identifiers: Orphanet 284232, MedGen C3280220, MONDO:0013644, OMIM 614228.

Allele frequency attached by ClinVar (database versions not stated): gnomAD exomes below 0.00001; ExAC 0.00002.
gnomAD v4.1: 5 of 1,613,588 alleles (0.00031%); highest among the groups gnomAD compares: South Asian, 0.0011%; no homozygotes.

Submission:

Labcorp Genetics (formerly Invitae), Labcorp
Classification: Uncertain significance for Charcot-Marie-Tooth disease axonal type 2O. Last evaluated: 2023-12-15. Review status: criteria provided, single submitter. Criteria: Invitae Variant Classification Sherloc (09022015). Collection method: clinical testing. Allele origin: germline.
Comment: This sequence change replaces glycine, which is neutral and non-polar, with serine, which is neutral and polar, at codon 4336 of the DYNC1H1 protein (p.Gly4336Ser). This variant also falls at the last nucleotide of exon 72, which is part of the consensus splice site for this exon. This variant is present in population databases (rs778025706, gnomAD 0.003%). This variant has not been reported in the literature in individuals affected with DYNC1H1-related conditions. An algorithm developed to predict the effect of missense changes on protein structure and function (PolyPhen-2) suggests that this variant is likely to be disruptive. Variants that disrupt the consensus splice site are a relatively common cause of aberrant splicing (PMID: 17576681, 9536098). Algorithms developed to predict the effect of sequence changes on RNA splicing suggest that this variant may disrupt the consensus splice site. In summary, the available evidence is currently insufficient to determine the role of this variant in disease. Therefore, it has been classified as a Variant of Uncertain Significance.

Literature cited by the submitters: PubMed 17576681; PubMed 9536098.

NM_001376.5(DYNC1H1):c.13006G>A (p.Gly4336Ser)

Gene: DYNC1H1 (dynein cytoplasmic 1 heavy chain 1; plus strand). Cytogenetic location: 14q32.31.
Variant type: single nucleotide variant.
Coding change: c.13006G>A on transcript NM_001376.5 (MANE Select); coding-DNA position 13006, G replaced by A.
Protein change: p.Gly4336Ser; replaces glycine 4336 with serine.
Molecular consequence: missense variant.
Genome position (GRCh38, 1-based): chr14:102,044,698, G>A. VCF-style: chr14-102044698-G-A. GRCh37 (hg19) VCF-style: chr14-102511035-G-A.
Other names: short protein forms G4336S.
Identifiers: ClinVar variation 2734272 (VCV002734272.3), dbSNP rs778025706, ClinGen allele CA7354091.